The following is an entry in ClinVar:

ClinVar aggregate classification (germline): Uncertain significance (1 of 4 stars; one submission).

Submission:

GeneDx
Classification: Uncertain significance. Last evaluated: 2020-04-09. Review status: criteria provided, single submitter. Criteria: GeneDx Variant Classification Process June 2021. Collection method: clinical testing. Allele origin: germline. Affected: yes.
Comment: Not observed in large population cohorts (Lek 2016); In silico analysis supports that this missense variant does not alter protein structure/function; Has not been previously published as pathogenic or benign to our knowledge

NM_032638.5(GATA2):c.1429A>G (p.Thr477Ala)

Gene: GATA2 (GATA binding protein 2; minus strand). Cytogenetic location: 3q21.3.
Variant type: single nucleotide variant.
Coding change: c.1429A>G on transcript NM_032638.5 (MANE Select); coding-DNA position 1429, A replaced by G.
Protein change: p.Thr477Ala; replaces threonine 477 with alanine.
Molecular consequence: missense variant.
Genome position (GRCh38, 1-based): chr3:128,481,033, T>C on the plus strand (A>G on the coding strand, the complement: GATA2 is on the minus strand). VCF-style: chr3-128481033-T-C. GRCh37 (hg19) VCF-style: chr3-128199876-T-C.
Other names: c.1429A>G, p.Thr477Ala (NM_001145661.2); c.1387A>G, p.Thr463Ala (NM_001145662.1); short protein forms T463A, T477A.
Identifiers: ClinVar variation 1314990 (VCV001314990.2), dbSNP rs2107667621, ClinGen allele CA354412408.